The following is an entry in ClinVar:

NM_015978.3(TNNI3K):c.741C>G (p.His247Gln)

Genes: FPGT-TNNI3K (FPGT-TNNI3K readthrough; plus strand), TNNI3K (TNNI3 interacting kinase; plus strand). Cytogenetic location: 1p31.1.
Variant type: single nucleotide variant.
Coding change: c.741C>G on transcript NM_015978.3 (MANE Select); coding-DNA position 741, C replaced by G.
Protein change: p.His247Gln; replaces histidine 247 with glutamine.
Molecular consequence: missense variant.
Genome position (GRCh38, 1-based): chr1:74,342,900, C>G. VCF-style: chr1-74342900-C-G. GRCh37 (hg19) VCF-style: chr1-74808584-C-G.
Other names: c.1044C>G, p.His348Gln (NM_001112808.3, NM_001199327.2); short protein forms H348Q, H247Q.
Identifiers: ClinVar variation 3696530 (VCV003696530.2).

ClinVar aggregate classification (germline): Uncertain significance (1 of 4 stars; one submission).

gnomAD v4.1: 1 of 1,613,820 alleles (0.000062%); highest among the groups gnomAD compares: African/African-American, 0.0013%; no homozygotes.

Submission:

Labcorp Genetics (formerly Invitae), Labcorp
Classification: Uncertain significance. Last evaluated: 2024-06-19. Review status: criteria provided, single submitter. Criteria: Invitae Variant Classification Sherloc (09022015). Collection method: clinical testing. Allele origin: germline.
Comment: This sequence change replaces histidine, which is basic and polar, with glutamine, which is neutral and polar, at codon 247 of the TNNI3K protein (p.His247Gln). This variant is not present in population databases (gnomAD no frequency). This variant has not been reported in the literature in individuals affected with TNNI3K-related conditions. Advanced modeling of protein sequence and biophysical properties (such as structural, functional, and spatial information, amino acid conservation, physicochemical variation, residue mobility, and thermodynamic stability) performed at Invitae indicates that this missense variant is not expected to disrupt TNNI3K protein function with a negative predictive value of 80%. In summary, the available evidence is currently insufficient to determine the role of this variant in disease. Therefore, it has been classified as a Variant of Uncertain Significance.